The following is an entry in ClinVar:

ClinVar aggregate classification (germline): Uncertain significance (1 of 4 stars; one submission).

Allele frequency attached by ClinVar (database versions not stated): TOPMed 0.00001.
gnomAD v4.1: 25 of 1,614,006 alleles (0.0015%); highest among the groups gnomAD compares: Admixed American, 0.0017%; no homozygotes.

Submission:

Labcorp Genetics (formerly Invitae), Labcorp
Classification: Uncertain significance. Last evaluated: 2025-10-02. Review status: criteria provided, single submitter. Criteria: Invitae Variant Classification Sherloc (09022015). Collection method: clinical testing. Allele origin: germline.
Comment: This sequence change replaces arginine, which is basic and polar, with histidine, which is basic and polar, at codon 353 of the ZBTB18 protein (p.Arg353His). This variant is present in population databases (rs763985762, gnomAD 0.008%). This variant has not been reported in the literature in individuals affected with ZBTB18-related conditions. ClinVar contains an entry for this variant (Variation ID: 3007409). Invitae Evidence Modeling of protein sequence and biophysical properties (such as structural, functional, and spatial information, amino acid conservation, physicochemical variation, residue mobility, and thermodynamic stability) indicates that this missense variant is not expected to disrupt ZBTB18 protein function with a negative predictive value of 95%. In summary, the available evidence is currently insufficient to determine the role of this variant in disease. Therefore, it has been classified as a Variant of Uncertain Significance.

NM_205768.3(ZBTB18):c.1058G>A (p.Arg353His)

Gene: ZBTB18 (zinc finger and BTB domain containing 18; plus strand). Cytogenetic location: 1q44.
Variant type: single nucleotide variant.
Coding change: c.1058G>A on transcript NM_205768.3 (MANE Select); coding-DNA position 1058, G replaced by A.
Protein change: p.Arg353His; replaces arginine 353 with histidine.
Molecular consequence: missense variant. On other transcripts: 3 prime UTR variant (1).
Genome position (GRCh38, 1-based): chr1:244,054,832, G>A. VCF-style: chr1-244054832-G-A. GRCh37 (hg19) VCF-style: chr1-244218134-G-A.
Other names: c.1031G>A, p.Arg344His (NM_001278196.2, NM_006352.5); c.*235G>A (NM_001421566.1); short protein forms R353H, R344H.
Identifiers: ClinVar variation 3007409 (VCV003007409.3), dbSNP rs763985762, ClinGen allele CA1484384.